The following is an entry in ClinVar:

NM_016169.4(SUFU):c.804T>C (p.Gly268=)

Gene: SUFU (SUFU negative regulator of hedgehog signaling; plus strand). Cytogenetic location: 10q24.32.
Variant type: single nucleotide variant.
Coding change: c.804T>C on transcript NM_016169.4 (MANE Select); coding-DNA position 804, T replaced by C.
Protein change: p.Gly268=; no amino-acid change (glycine 268 retained).
Molecular consequence: synonymous variant.
Genome position (GRCh38, 1-based): chr10:102,597,187, T>C. VCF-style: chr10-102597187-T-C. GRCh37 (hg19) VCF-style: chr10-104356944-T-C.
Other names: c.804T>C, p.Gly268= (NM_001178133.2).
Identifiers: ClinVar variation 1550724 (VCV001550724.18), dbSNP rs2135881315, ClinGen allele CA471299699.
Genomic context (GRCh38, chr10:102,597,187, plus strand): 5'-TCTTTTCAAGCAGGAGAGAGTTGACAAAGGCATCGAGACAGATGGCTCCAACCTGAGTGG[T>C]GTCAGTGCCAAGTGTGCCTGGGATGACCTGAGCCGGCCCCCCGAGGATGACGAGGACAGC-3'
Protein context (NP_057253.2, residues 258-278): GIETDGSNLS[Gly268=]VSAKCAWDDL

ClinVar aggregate classification (germline): Likely benign. Review status: criteria provided, multiple submitters, no conflicts (2 of 4 stars). 3 submissions from 3 submitters: Likely benign (3). Last evaluated 2025-08-01.

Conditions:
Hereditary cancer-predisposing syndrome. Also called: Tumor predisposition; Neoplastic Syndromes, Hereditary; Hereditary Cancer Syndrome; Hereditary neoplastic syndrome. Identifiers: Orphanet 140162, MedGen C0027672, MeSH D009386, MONDO:0015356.
Gorlin syndrome. Also called: Basal cell nevus syndrome; Nevoid Basal Cell Carcinoma Syndrome. Identifiers: Orphanet 377, MedGen C0004779, MONDO:0007187.
Medulloblastoma (MDB). Also called: Medulloblastoma, somatic; MEDULLOBLASTOMA PREDISPOSITION SYNDROME. Identifiers: Orphanet 616, MedGen C0025149, MeSH D008527, MONDO:0007959, OMIM 155255, HP:0002885.

Submissions (3):

CeGaT Center for Human Genetics Tuebingen
Classification: Likely benign. Last evaluated: 2025-08-01. Review status: criteria provided, single submitter. Criteria: CeGaT Center For Human Genetics Tuebingen Variant Classification Criteria Version 2. Collection method: clinical testing. Allele origin: germline. Affected: yes. Observed: 1 variant allele.
Comment: SUFU: PM2:Supporting, BP4, BP7

Labcorp Genetics (formerly Invitae), Labcorp
Classification: Likely benign for Gorlin syndrome; Medulloblastoma. Last evaluated: 2021-04-14. Review status: criteria provided, single submitter. Criteria: Invitae Variant Classification Sherloc (09022015). Collection method: clinical testing. Allele origin: germline.

Ambry Genetics
Classification: Likely benign for Hereditary cancer-predisposing syndrome. Last evaluated: 2021-01-19. Review status: criteria provided, single submitter. Criteria: Ambry Variant Classification Scheme 2023. Collection method: clinical testing. Allele origin: germline.